The following is an entry in ClinVar:

NM_014967.5(FAN1):c.1772G>A (p.Arg591Gln)

Gene: FAN1 (FANCD2 and FANCI associated nuclease 1; plus strand). Cytogenetic location: 15q13.3.
Variant type: single nucleotide variant.
Coding change: c.1772G>A on transcript NM_014967.5 (MANE Select); coding-DNA position 1772, G replaced by A.
Protein change: p.Arg591Gln; replaces arginine 591 with glutamine.
Molecular consequence: missense variant.
Genome position (GRCh38, 1-based): chr15:30,914,052, G>A. VCF-style: chr15-30914052-G-A. GRCh37 (hg19) VCF-style: chr15-31206255-G-A.
Other names: short protein forms R591Q.
Identifiers: ClinVar variation 4883056 (VCV004883056.2).

ClinVar aggregate classification (germline): Uncertain significance (1 of 4 stars; one submission).

gnomAD v4.1: 35 of 1,613,952 alleles (0.0022%); highest among the groups gnomAD compares: Admixed American, 0.0033%; no homozygotes.

Submission:

Dasa
Classification: Uncertain significance. Last evaluated: 2025-04-04. Review status: criteria provided, single submitter. Criteria: DASA Assertion Criteria. Collection method: clinical testing. Allele origin: germline.
Comment: NM_014967.5(FAN1):c.1772G>A (p.Arg591Gln) is a missense variant that results in the substitution of arginine with glutamine. This variant is rare in population databases. Computational prediction algorithms are consistent with a benign effect. The currently available literature and clinical evidence are not sufficient to establish a definitive association between this variant and the reported condition. Therefore, this variant is classified as a variant of uncertain significance.